The following is an entry in ClinVar:

NM_001145418.2(TTC28):c.2829G>A (p.Arg943=)

Gene: TTC28 (tetratricopeptide repeat domain 28; minus strand). Cytogenetic location: 22q12.1.
Variant type: single nucleotide variant.
Coding change: c.2829G>A on transcript NM_001145418.2 (MANE Select); coding-DNA position 2829, G replaced by A.
Protein change: p.Arg943=; no amino-acid change (arginine 943 retained).
Molecular consequence: synonymous variant.
Genome position (GRCh38, 1-based): chr22:28,105,757, C>T on the plus strand (G>A on the coding strand, the complement: TTC28 is on the minus strand). VCF-style: chr22-28105757-C-T. GRCh37 (hg19) VCF-style: chr22-28501745-C-T.
Other names: c.2829G>A, p.Arg943= (NM_001393403.1); c.2475G>A, p.Arg825= (NM_001393404.1, NM_001393405.1).
Identifiers: ClinVar variation 3033131 (VCV003033131.2), dbSNP rs180816110, ClinGen allele CA10167395.

ClinVar aggregate classification (germline): Benign (0 of 4 stars; one submission).

Conditions:
TTC28-related disorder. Also called: TTC28-related condition.

Allele frequency attached by ClinVar (database versions not stated): gnomAD exomes 0.00022; ExAC 0.00065; 1000 Genomes Project 0.00200; 1000 Genomes Project 30x 0.00219; gnomAD 0.00237; TOPMed 0.00286; ESP Exome Variant Server 0.00329.
gnomAD v4.1: 676 of 1,551,680 alleles (0.044%); highest among the groups gnomAD compares: African/African-American, 0.85%; 2 homozygotes.

Submission:

PreventionGenetics, part of Exact Sciences
Classification: Benign for TTC28-related condition. Last evaluated: 2019-06-17. Review status: no assertion criteria provided. Collection method: clinical testing. Allele origin: germline.
Comment: This variant is classified as benign based on ACMG/AMP sequence variant interpretation guidelines (Richards et al. 2015 PMID: 25741868, with internal and published modifications).